The following is an entry in ClinVar:

NC_000011.9:g.(?_95566043)_(95657272_?)dup

Gene: MTMR2 (myotubularin related protein 2; minus strand). Cytogenetic location: 11q21.
Variant type: Duplication.
Identifiers: ClinVar variation 3063823 (VCV003063823.1).

ClinVar aggregate classification (germline): Uncertain significance (1 of 4 stars; one submission).

Submission:

Women's Health and Genetics/Laboratory Corporation of America, LabCorp
Classification: Uncertain significance. Last evaluated: 2024-01-09. Review status: criteria provided, single submitter. Criteria: LabCorp Variant Classification Summary - May 2015. Collection method: clinical testing. Allele origin: germline.
Comment: Variant summary: The variant involves the duplication of exons 1-15 in the MTMR2 gene. This duplication includes the entire coding sequence of the gene. As exact breakpoints are unknown, it may extend beyond the annotated region of the gene, to include other flanking genes. A presumed nomenclature of c.(?_-154)_(*2411_?)dup has been designated for the purposes of this classification. The variant was absent in 21694 control chromosomes (gnomAD). The available data on variant occurrences in the general population are insufficient to allow any conclusion about variant significance. To our knowledge, no occurrence of c.(?_-154)_(*2411_?)dup in individuals affected with Charcot-Marie-Tooth disease type 4B1 and no experimental evidence demonstrating its impact on protein function have been reported. ClinVar contains an entry for this variant (Variation ID: 1375885). Based on the evidence outlined above, the variant was classified as uncertain significance.